The following is an entry in ClinVar:

ClinVar aggregate classification (germline): Uncertain significance (1 of 4 stars; one submission).

Conditions:
Familial thoracic aortic aneurysm and aortic dissection (TAAD). Also called: Thoracic aortic aneurysms and dissections. Identifiers: Orphanet 91387, MedGen C4707243, MONDO:0019625.
Hereditary cancer-predisposing syndrome. Also called: Hereditary neoplastic syndrome; Neoplastic Syndromes, Hereditary; Tumor predisposition; Hereditary Cancer Syndrome. Identifiers: Orphanet 140162, MedGen C0027672, MeSH D009386, MONDO:0015356.

Submission:

Ambry Genetics
Classification: Uncertain significance for Hereditary cancer-predisposing syndrome; Familial thoracic aortic aneurysm and aortic dissection. Last evaluated: 2014-07-11. Review status: criteria provided, single submitter. Criteria: Ambry Variant Classification Scheme 2023. Collection method: clinical testing. Allele origin: germline.
Comment: The p.T259I variant (also known as c.776C>T), located in coding exon 5 of the SMAD4 gene, results from a C to T substitution at nucleotide position 776. The threonine at codon 259 is replaced by isoleucine, an amino acid with similar properties. This variant was not reported in population based cohorts in the following databases: Database of Single Nucleotide Polymorphisms (dbSNP), NHLBI Exome Sequencing Project (ESP), and 1000 Genomes Project. In the ESP, this variant was not observed in 6503 samples (13006 alleles) with coverage at this position. To date, this alteration has been detected with an allele frequency of approximately 0.01% (greater than 7500 alleles tested) in our clinical cohort (includes this individual). Based on protein sequence alignment, this amino acid position is highly conserved in available vertebrate species. In addition, the in silico prediction for this alteration is inconclusive. Since supporting evidence is limited at this time, the clinical significance of p.T259I remains unclear.

NM_005359.6(SMAD4):c.776C>T (p.Thr259Ile)

Gene: SMAD4 (SMAD family member 4; plus strand). Cytogenetic location: 18q21.2.
Variant type: single nucleotide variant.
Coding change: c.776C>T on transcript NM_005359.6 (MANE Select); coding-DNA position 776, C replaced by T.
Protein change: p.Thr259Ile; replaces threonine 259 with isoleucine.
Molecular consequence: missense variant.
Genome position (GRCh38, 1-based): chr18:51,058,233, C>T. VCF-style: chr18-51058233-C-T. GRCh37 (hg19) VCF-style: chr18-48584603-C-T.
Other names: short protein forms T259I.
Identifiers: ClinVar variation 185355 (VCV000185355.5), dbSNP rs786202113, ClinGen allele CA191715.